The following is an entry in ClinVar:

ClinVar aggregate classification (germline): Likely benign (1 of 4 stars; one submission).

Allele frequency attached by ClinVar (database versions not stated): gnomAD 0.00001; gnomAD exomes 0.00001; TOPMed 0.00001; ExAC 0.00002.

Submission:

CeGaT Center for Human Genetics Tuebingen
Classification: Likely benign. Last evaluated: 2022-09-01. Review status: criteria provided, single submitter. Criteria: CeGaT Center For Human Genetics Tuebingen Variant Classification Criteria Version 2. Collection method: clinical testing. Allele origin: germline. Affected: yes. Observed: 1 variant allele.
Comment: LRRN4: BP4, BP7

NM_152611.5(LRRN4):c.1437C>T (p.Ala479=)

Gene: LRRN4 (leucine rich repeat neuronal 4; minus strand). Cytogenetic location: 20p12.3.
Variant type: single nucleotide variant.
Coding change: c.1437C>T on transcript NM_152611.5 (MANE Select); coding-DNA position 1437, C replaced by T.
Protein change: p.Ala479=; no amino-acid change (alanine 479 retained).
Molecular consequence: synonymous variant.
Genome position (GRCh38, 1-based): chr20:6,041,808, G>A on the plus strand (C>T on the coding strand, the complement: LRRN4 is on the minus strand). VCF-style: chr20-6041808-G-A. GRCh37 (hg19) VCF-style: chr20-6022454-G-A.
Identifiers: ClinVar variation 2652197 (VCV002652197.24), dbSNP rs745516199, ClinGen allele CA9757581.